The following is an entry in ClinVar:

ClinVar aggregate classification (germline): Uncertain significance. Review status: criteria provided, multiple submitters, no conflicts (2 of 4 stars). 3 submissions from 3 submitters: Uncertain significance (3). Last evaluated 2024-11-05.

Allele frequency attached by ClinVar (database versions not stated): gnomAD 0.00001 and 0.00002; TOPMed 0.00003; ExAC 0.00005; gnomAD exomes 0.00005 and 0.00007; 1000 Genomes Project 30x 0.00016; 1000 Genomes Project 0.00020.
gnomAD v4.1: 99 of 1,613,196 alleles (0.0061%); highest among the groups gnomAD compares: Non-Finnish European, 0.008%; no homozygotes.

Submissions (3):

Blueprint Genetics
Classification: Uncertain significance. Last evaluated: 2024-11-05. Review status: criteria provided, single submitter. Criteria: ACMG Guidelines, 2015. Collection method: clinical testing. Allele origin: germline.

GeneDx
Classification: Uncertain significance. Last evaluated: 2023-01-11. Review status: criteria provided, single submitter. Criteria: GeneDx Variant Classification Process June 2021. Collection method: clinical testing. Allele origin: germline. Affected: yes.
Comment: In silico analysis supports that this missense variant has a deleterious effect on protein structure/function; In silico analysis also supports a deleterious effect on splicing; Has not been previously published as pathogenic or benign to our knowledge

Labcorp Genetics (formerly Invitae), Labcorp
Classification: Uncertain significance. Last evaluated: 2022-07-05. Review status: criteria provided, single submitter. Criteria: Invitae Variant Classification Sherloc (09022015). Collection method: clinical testing. Allele origin: germline.
Comment: This sequence change replaces glycine, which is neutral and non-polar, with arginine, which is basic and polar, at codon 279 of the RTN4IP1 protein (p.Gly279Arg). This variant is present in population databases (rs540432755, gnomAD 0.009%). This variant has not been reported in the literature in individuals affected with RTN4IP1-related conditions. ClinVar contains an entry for this variant (Variation ID: 862962). Algorithms developed to predict the effect of missense changes on protein structure and function are either unavailable or do not agree on the potential impact of this missense change (SIFT: "Tolerated"; PolyPhen-2: "Probably Damaging"; Align-GVGD: "Class C0"). Algorithms developed to predict the effect of sequence changes on RNA splicing suggest that this variant may disrupt the consensus splice site. In summary, the available evidence is currently insufficient to determine the role of this variant in disease. Therefore, it has been classified as a Variant of Uncertain Significance.

NM_032730.5(RTN4IP1):c.835G>A (p.Gly279Arg)

Gene: RTN4IP1 (reticulon 4 interacting protein 1; minus strand). Cytogenetic location: 6q21.
Variant type: single nucleotide variant.
Coding change: c.835G>A on transcript NM_032730.5 (MANE Select); coding-DNA position 835, G replaced by A.
Protein change: p.Gly279Arg; replaces glycine 279 with arginine.
Molecular consequence: missense variant.
Genome position (GRCh38, 1-based): chr6:106,587,834, C>T on the plus strand (G>A on the coding strand, the complement: RTN4IP1 is on the minus strand). VCF-style: chr6-106587834-C-T. GRCh37 (hg19) VCF-style: chr6-107035709-C-T.
Other names: c.535G>A, p.Gly179Arg (NM_001318746.1); short protein forms G179R, G279R.
Identifiers: ClinVar variation 862962 (VCV000862962.10), dbSNP rs540432755, ClinGen allele CA3944344.
Genomic context (GRCh38, chr6:106,587,834, plus strand): 5'-TCACATAGGTGGCTCCTGACCATTTCTTGAGAAAATCTGGAGCCCATGTTTCAGTGGATC[C>T]GCCAACATTATCAAGGATAAAATCAAATCTGGAGAGGAAGAACCAAATCAAAACATGGTT-3'
Protein context (NP_116119.2, residues 269-289): PFDFILDNVG[Gly279Arg]STETWAPDFL